The following is an entry in ClinVar:

NM_000393.5(COL5A2):c.2942G>A (p.Gly981Asp)

Gene: COL5A2 (collagen type V alpha 2 chain; minus strand). Cytogenetic location: 2q32.2.
Variant type: single nucleotide variant.
Coding change: c.2942G>A on transcript NM_000393.5 (MANE Select); coding-DNA position 2942, G replaced by A.
Protein change: p.Gly981Asp; replaces glycine 981 with aspartic acid.
Molecular consequence: missense variant.
Genome position (GRCh38, 1-based): chr2:189,050,666, C>T on the plus strand (G>A on the coding strand, the complement: COL5A2 is on the minus strand). VCF-style: chr2-189050666-C-T. GRCh37 (hg19) VCF-style: chr2-189915392-C-T.
Other names: short protein forms G981D.
Identifiers: ClinVar variation 3895634 (VCV003895634.1).

ClinVar aggregate classification (germline): Uncertain significance (1 of 4 stars; one submission).

Submission:

Women's Health and Genetics/Laboratory Corporation of America, LabCorp
Classification: Uncertain significance. Last evaluated: 2025-03-14. Review status: criteria provided, single submitter. Criteria: LabCorp Variant Classification Summary - May 2015. Collection method: clinical testing. Allele origin: germline.
Comment: Variant summary: COL5A2 c.2942G>A (p.Gly981Asp) results in a non-conservative amino acid change in the encoded protein sequence. Five of five in-silico tools predict a damaging effect of the variant on protein function. The variant was absent in 157196 control chromosomes. The available data on variant occurrences in the general population are insufficient to allow any conclusion about variant significance. To our knowledge, no occurrence of c.2942G>A in individuals affected with Ehlers-Danlos syndrome, classic type, 2 and no experimental evidence demonstrating its impact on protein function have been reported. No submitters have cited clinical-significance assessments for this variant to ClinVar. Based on the evidence outlined above, the variant was classified as uncertain significance.